The following is an entry in ClinVar:

ClinVar aggregate classification (germline): Likely benign. Review status: criteria provided, single submitter (1 of 4 stars). 2 submissions from 1 submitter: Likely benign (2). Last evaluated 2018-01-12.

Conditions:
Adult-onset proximal spinal muscular atrophy, autosomal dominant. Also called: FINKEL LATE-ADULT TYPE SMA; Spinal muscular atrophy, late-onset, finkel type. Identifiers: Orphanet 209335, MedGen C1854058, MONDO:0008453, OMIM 182980.
Amyotrophic lateral sclerosis type 8 (ALS8). Identifiers: Orphanet 803, MedGen C1837728, MONDO:0012077, OMIM 608627.

Allele frequency attached by ClinVar (database versions not stated): TOPMed 0.00006; gnomAD exomes 0.00008 and 0.00013; ExAC 0.00019.
gnomAD v4.1: 32 of 453,882 alleles (0.0071%); highest among the groups gnomAD compares: Admixed American, 0.016%; no homozygotes.

Submissions (2):

Illumina Laboratory Services, Illumina
Classification: Likely benign for Amyotrophic lateral sclerosis type 8. Last evaluated: 2018-01-12. Review status: criteria provided, single submitter. Criteria: ICSL Variant Classification Criteria 13 December 2019. Collection method: clinical testing. Allele origin: germline.
Comment: This variant was observed in the ICSL laboratory as part of a predisposition screen in an ostensibly healthy population. It had not been previously curated by ICSL or reported in the Human Gene Mutation Database (HGMD: prior to June 1st, 2018), and was therefore a candidate for classification through an automated scoring system. Utilizing variant allele frequency, disease prevalence and penetrance estimates, and inheritance mode, an automated score was calculated to assess if this variant is too frequent to cause the disease. Based on the score and internal cut-off values, a variant classified as likely benign is not then subjected to further curation. The score for this variant resulted in a classification of likely benign for this disease.

Illumina Laboratory Services, Illumina
Classification: Likely benign for Adult-onset proximal spinal muscular atrophy, autosomal dominant. Last evaluated: 2018-01-12. Review status: criteria provided, single submitter. Criteria: ICSL Variant Classification Criteria 13 December 2019. Collection method: clinical testing. Allele origin: germline.
Comment: the same text as in the submission from Illumina Laboratory Services, Illumina above.

NM_004738.5(VAPB):c.*5851C>A

Gene: VAPB (VAMP associated protein B and C; plus strand). Cytogenetic location: 20q13.32.
Variant type: single nucleotide variant.
Coding change: c.*5851C>A on transcript NM_004738.5 (MANE Select); 5851 bases downstream of the stop codon, C replaced by A.
Molecular consequence: 3 prime UTR variant. On other transcripts: non-coding transcript variant (1).
Genome position (GRCh38, 1-based): chr20:58,450,086, C>A. VCF-style: chr20-58450086-C-A. GRCh37 (hg19) VCF-style: chr20-57025142-C-A.
Other names: c.*5921C>A (NM_001195677.2).
Identifiers: ClinVar variation 896747 (VCV000896747.5), dbSNP rs772661395, ClinGen allele CA9924655.